The following is an entry in ClinVar:

ClinVar aggregate classification (germline): Likely pathogenic (1 of 4 stars; one submission).

Conditions:
Epilepsy, familial focal, with variable foci 3 (FFEVF3). Identifiers: MedGen C4310708, MONDO:0014925, OMIM 617118.

Submission:

Labcorp Genetics (formerly Invitae), Labcorp
Classification: Likely pathogenic for Epilepsy, familial focal, with variable foci 3. Last evaluated: 2024-10-10. Review status: criteria provided, single submitter. Criteria: Invitae Variant Classification Sherloc (09022015). Collection method: clinical testing. Allele origin: germline.
Comment: This sequence change affects a splice site in intron 6 of the NPRL3 gene. It is expected to disrupt RNA splicing. Variants that disrupt the donor or acceptor splice site typically lead to a loss of protein function (PMID: 16199547), and loss-of-function variants in NPRL3 are known to be pathogenic (PMID: 26285051, 26505888). This variant is not present in population databases (gnomAD no frequency). This variant has not been reported in the literature in individuals affected with NPRL3-related conditions. Algorithms developed to predict the effect of sequence changes on RNA splicing suggest that this variant may disrupt the consensus splice site. In summary, the currently available evidence indicates that the variant is pathogenic, but additional data are needed to prove that conclusively. Therefore, this variant has been classified as Likely Pathogenic.

Literature cited by the submitters: PubMed 16199547; PubMed 26285051; PubMed 26505888.

NM_001077350.3(NPRL3):c.547+2del

Genes: HBA-LCR (alpha-globin locus control region; plus strand), NPRL3 (NPR3 like, GATOR1 complex subunit; minus strand). Cytogenetic location: 16p13.3.
Variant type: Deletion.
Coding change: c.547+2del on transcript NM_001077350.3 (MANE Select); the canonical splice donor site of the intron after coding-DNA position 547, one base deleted (T; older notation c.547+2delT).
Molecular consequence: splice donor variant.
Genome position (GRCh38, 1-based): chr16:112,620, A deleted on the plus strand (T on the coding strand, the reverse complement: NPRL3 is on the minus strand). VCF-style (leftmost placement, unchanged base first): chr16-112619-CA-C. GRCh37 (hg19) VCF-style: chr16-162618-CA-C.
Other names: c.313+2del (NM_001243247.2); c.472+2del (NM_001243248.2, NM_001243249.2); c.10+2del (NM_001039476.3).
Identifiers: ClinVar variation 3722611 (VCV003722611.2).
Genomic context (GRCh38, chr16:112,619, plus strand): 5'-CTGCGCTGCAGAGAGGCCACCAGCCAGCCCAGACCCATGCCCATCACGCCCTGCTGCACT[CA>C]CCATCAGCCATGGCGGACACCTCATCCTGGAGCGCCAGGATCAGCTTGGCCTCCCGGGTG-3'